The following is an entry in ClinVar:

NM_000875.5(IGF1R):c.245C>T (p.Thr82Ile)

Gene: IGF1R (insulin like growth factor 1 receptor; plus strand). Cytogenetic location: 15q26.3.
Variant type: single nucleotide variant.
Coding change: c.245C>T on transcript NM_000875.5 (MANE Select); coding-DNA position 245, C replaced by T.
Protein change: p.Thr82Ile; replaces threonine 82 with isoleucine.
Molecular consequence: missense variant.
Genome position (GRCh38, 1-based): chr15:98,707,712, C>T. VCF-style: chr15-98707712-C-T. GRCh37 (hg19) VCF-style: chr15-99250941-C-T.
Other names: c.245C>T, p.Thr82Ile (NM_001291858.2); short protein forms T82I.
Identifiers: ClinVar variation 2815475 (VCV002815475.3), dbSNP rs2141259077, ClinGen allele CA393696850.
Genomic context (GRCh38, chr15:98,707,712, plus strand): 5'-TGCTCATCTCCAAGGCCGAGGACTACCGCAGCTACCGCTTCCCCAAGCTCACGGTCATTA[C>T]CGAGTACTTGCTGCTGTTCCGAGTGGCTGGCCTCGAGAGCCTCGGAGACCTCTTCCCCAA-3'
Protein context (NP_000866.1, residues 72-92): SYRFPKLTVI[Thr82Ile]EYLLLFRVAG

ClinVar aggregate classification (germline): Uncertain significance (1 of 4 stars; one submission).

Submission:

Labcorp Genetics (formerly Invitae), Labcorp
Classification: Uncertain significance. Last evaluated: 2022-11-20. Review status: criteria provided, single submitter. Criteria: Invitae Variant Classification Sherloc (09022015). Collection method: clinical testing. Allele origin: germline.
Comment: This sequence change replaces threonine, which is neutral and polar, with isoleucine, which is neutral and non-polar, at codon 82 of the IGF1R protein (p.Thr82Ile). This variant is not present in population databases (gnomAD no frequency). In summary, the available evidence is currently insufficient to determine the role of this variant in disease. Therefore, it has been classified as a Variant of Uncertain Significance. Advanced modeling of protein sequence and biophysical properties (such as structural, functional, and spatial information, amino acid conservation, physicochemical variation, residue mobility, and thermodynamic stability) performed at Invitae indicates that this missense variant is expected to disrupt IGF1R protein function. This variant has not been reported in the literature in individuals affected with IGF1R-related conditions.